The following is an entry in ClinVar:

ClinVar aggregate classification (germline): Uncertain significance (1 of 4 stars; one submission).

Allele frequency attached by ClinVar (database versions not stated): TOPMed below 0.00001; gnomAD 0.00001.
gnomAD v4.1: 12 of 1,614,014 alleles (0.00074%); highest among the groups gnomAD compares: Non-Finnish European, 0.001%; no homozygotes.

Submission:

Labcorp Genetics (formerly Invitae), Labcorp
Classification: Uncertain significance. Last evaluated: 2021-12-16. Review status: criteria provided, single submitter. Criteria: Invitae Variant Classification Sherloc (09022015). Collection method: clinical testing. Allele origin: germline.
Comment: This sequence change replaces histidine, which is basic and polar, with leucine, which is neutral and non-polar, at codon 1817 of the RTTN protein (p.His1817Leu). This variant is not present in population databases (gnomAD no frequency). This variant has not been reported in the literature in individuals affected with RTTN-related conditions. Algorithms developed to predict the effect of missense changes on protein structure and function are either unavailable or do not agree on the potential impact of this missense change (SIFT: "Deleterious"; PolyPhen-2: "Benign"; Align-GVGD: "Class C0"). In summary, the available evidence is currently insufficient to determine the role of this variant in disease. Therefore, it has been classified as a Variant of Uncertain Significance.

NM_173630.4(RTTN):c.5450A>T (p.His1817Leu)

Genes: RTTN (rotatin; minus strand), LOC126862785 (MED14-independent group 3 enhancer GRCh37_chr18:67714790-67715989; plus strand). Cytogenetic location: 18q22.2.
Variant type: single nucleotide variant.
Coding change: c.5450A>T on transcript NM_173630.4 (MANE Select); coding-DNA position 5450, A replaced by T.
Protein change: p.His1817Leu; replaces histidine 1817 with leucine.
Molecular consequence: missense variant.
Genome position (GRCh38, 1-based): chr18:70,048,062, T>A on the plus strand (A>T on the coding strand, the complement: RTTN is on the minus strand). VCF-style: chr18-70048062-T-A. GRCh37 (hg19) VCF-style: chr18-67715298-T-A.
Other names: c.2714A>T, p.His905Leu (NM_001318520.2); short protein forms H1817L, H905L.
Identifiers: ClinVar variation 2044253 (VCV002044253.1), dbSNP rs1473067397, ClinGen allele CA402690434.